The following is an entry in ClinVar:

NM_018063.5(HELLS):c.1462A>G (p.Ile488Val)

Gene: HELLS (helicase, lymphoid specific; plus strand). Cytogenetic location: 10q23.33.
Variant type: single nucleotide variant.
Coding change: c.1462A>G on transcript NM_018063.5 (MANE Select); coding-DNA position 1462, A replaced by G.
Protein change: p.Ile488Val; replaces isoleucine 488 with valine.
Molecular consequence: missense variant.
Genome position (GRCh38, 1-based): chr10:94,588,364, A>G. VCF-style: chr10-94588364-A-G. GRCh37 (hg19) VCF-style: chr10-96348121-A-G.
Other names: c.1600A>G, p.Ile534Val (NM_001289067.2); c.1414A>G, p.Ile472Val (NM_001289068.2); c.1366A>G, p.Ile456Val (NM_001289069.2); c.1168A>G, p.Ile390Val (NM_001289070.2); c.1090A>G, p.Ile364Val (NM_001289071.2); c.1072A>G, p.Ile358Val (NM_001289072.2); c.1048A>G, p.Ile350Val (NM_001289073.2); c.379A>G, p.Ile127Val (NM_001289074.2); and 1 more; short protein forms I127V, I82V, I534V, I350V, I364V, I358V, I390V, I456V.
Identifiers: ClinVar variation 1913921 (VCV001913921.5), dbSNP rs1308769185, ClinGen allele CA377664486.

ClinVar aggregate classification (germline): Uncertain significance (1 of 4 stars; one submission).

Allele frequency attached by ClinVar (database versions not stated): gnomAD 0.00001.
gnomAD v4.1: 7 of 1,606,340 alleles (0.00044%); highest among the groups gnomAD compares: Non-Finnish European, 0.00059%; no homozygotes.

Submission:

Labcorp Genetics (formerly Invitae), Labcorp
Classification: Uncertain significance. Last evaluated: 2022-04-11. Review status: criteria provided, single submitter. Criteria: Invitae Variant Classification Sherloc (09022015). Collection method: clinical testing. Allele origin: germline.
Comment: Algorithms developed to predict the effect of missense changes on protein structure and function (SIFT, PolyPhen-2, Align-GVGD) all suggest that this variant is likely to be tolerated. In summary, the available evidence is currently insufficient to determine the role of this variant in disease. Therefore, it has been classified as a Variant of Uncertain Significance. This variant has not been reported in the literature in individuals affected with HELLS-related conditions. This variant is not present in population databases (gnomAD no frequency). This sequence change replaces isoleucine, which is neutral and non-polar, with valine, which is neutral and non-polar, at codon 488 of the HELLS protein (p.Ile488Val).